The following is an entry in ClinVar:

NM_001029883.3(PCARE):c.2519A>T (p.Asp840Val)

Gene: PCARE (photoreceptor cilium actin regulator; minus strand). Cytogenetic location: 2p23.2.
Variant type: single nucleotide variant.
Coding change: c.2519A>T on transcript NM_001029883.3 (MANE Select); coding-DNA position 2519, A replaced by T.
Protein change: p.Asp840Val; replaces aspartic acid 840 with valine.
Molecular consequence: missense variant.
Genome position (GRCh38, 1-based): chr2:29,071,743, T>A on the plus strand (A>T on the coding strand, the complement: PCARE is on the minus strand). VCF-style: chr2-29071743-T-A. GRCh37 (hg19) VCF-style: chr2-29294609-T-A.
Other names: short protein forms D840V.
Identifiers: ClinVar variation 2112222 (VCV002112222.4), dbSNP rs2465275095, ClinGen allele CA346477359.

ClinVar aggregate classification (germline): Uncertain significance (1 of 4 stars; one submission).

Submission:

Labcorp Genetics (formerly Invitae), Labcorp
Classification: Uncertain significance. Last evaluated: 2022-03-14. Review status: criteria provided, single submitter. Criteria: Invitae Variant Classification Sherloc (09022015). Collection method: clinical testing. Allele origin: germline.
Comment: In summary, the available evidence is currently insufficient to determine the role of this variant in disease. Therefore, it has been classified as a Variant of Uncertain Significance. Algorithms developed to predict the effect of missense changes on protein structure and function (SIFT, PolyPhen-2, Align-GVGD) all suggest that this variant is likely to be disruptive. This variant has not been reported in the literature in individuals affected with PCARE-related conditions. This variant is not present in population databases (gnomAD no frequency). This sequence change replaces aspartic acid, which is acidic and polar, with valine, which is neutral and non-polar, at codon 840 of the PCARE protein (p.Asp840Val).